The following is an entry in ClinVar:

NM_170707.4(LMNA):c.863C>G (p.Ala288Gly)

Gene: LMNA (lamin A/C; plus strand). Cytogenetic location: 1q22.
Variant type: single nucleotide variant.
Coding change: c.863C>G on transcript NM_170707.4 (MANE Select); coding-DNA position 863, C replaced by G.
Protein change: p.Ala288Gly; replaces alanine 288 with glycine.
Molecular consequence: missense variant.
Genome position (GRCh38, 1-based): chr1:156,135,239, C>G. VCF-style: chr1-156135239-C-G. GRCh37 (hg19) VCF-style: chr1-156105030-C-G.
Other names: c.527C>G, p.Ala176Gly (NM_001257374.3); c.620C>G, p.Ala207Gly (NM_001282624.2); c.863C>G, p.Ala288Gly (NM_001282625.2, NM_001282626.2, NM_005572.4 and 1 more transcripts); short protein forms A288G, A176G, A207G.
Identifiers: ClinVar variation 48089 (VCV000048089.7), dbSNP rs397517911, ClinGen allele CA018775.

ClinVar aggregate classification (germline): Conflicting classifications of pathogenicity. Review status: criteria provided, conflicting classifications (1 of 4 stars). 3 submissions from 3 submitters: Likely pathogenic (2); Uncertain significance (1). Last evaluated 2025-01-17.

Conditions:
Charcot-Marie-Tooth disease type 2. Also called: Charcot-Marie-Tooth type 2. Identifiers: Orphanet 64746, MedGen C0270914, MONDO:0018993.
Primary dilated cardiomyopathy (DCM). Also called: Dilated Cardiomyopathy. Identifiers: Orphanet 217604, MedGen C0007193, MeSH D002311, MONDO:0005021, HP:0001644. Inheritance: Various modes of inheritance.

Allele frequency attached by ClinVar (database versions not stated): gnomAD exomes below 0.00001.
gnomAD v4.1: 1 of 1,613,808 alleles (0.000062%); highest among the groups gnomAD compares: Non-Finnish European, 0.000085%; no homozygotes.

Submissions (3):

Labcorp Genetics (formerly Invitae), Labcorp
Classification: Likely pathogenic for Charcot-Marie-Tooth disease type 2. Last evaluated: 2025-01-17. Review status: criteria provided, single submitter. Criteria: Invitae Variant Classification Sherloc (09022015). Collection method: clinical testing. Allele origin: germline.
Comment: This sequence change replaces alanine, which is neutral and non-polar, with glycine, which is neutral and non-polar, at codon 288 of the LMNA protein (p.Ala288Gly). This variant is not present in population databases (gnomAD no frequency). This missense change has been observed in individual(s) with dilated cardiomyopathy and/or limb-girdle muscular dystrophy (PMID: 24503780, 27532257, 36548481, 37652022; internal data). ClinVar contains an entry for this variant (Variation ID: 48089). Invitae Evidence Modeling of protein sequence and biophysical properties (such as structural, functional, and spatial information, amino acid conservation, physicochemical variation, residue mobility, and thermodynamic stability) indicates that this missense variant is expected to disrupt LMNA protein function with a positive predictive value of 95%. In summary, the currently available evidence indicates that the variant is pathogenic, but additional data are needed to prove that conclusively. Therefore, this variant has been classified as Likely Pathogenic.

Revvity Omics, Revvity
Classification: Uncertain significance. Last evaluated: 2024-12-29. Review status: criteria provided, single submitter. Criteria: ACMG Guidelines, 2015. Collection method: clinical testing. Allele origin: germline.

Laboratory for Molecular Medicine, Mass General Brigham Personalized Medicine
Classification: Likely pathogenic for Primary dilated cardiomyopathy. Last evaluated: 2012-08-13. Review status: criteria provided, single submitter. Criteria: LMM Criteria. Collection method: clinical testing. Allele origin: germline. Observed: 2 variant alleles.
Comment: The Ala288Gly variant in LMNA has not been reported in the literature nor in 2 l arge and broad populations (European and African American) screened by the NHLBI Exome Sequencing Project. This low frequen cy supports a pathogenic role. The constellation of features present in this family is consistent with a laminopathy. Computational analyses (biochemical amino acid p roperties, conservation, AlignGVGD, PolyPhen2, and SIFT) suggest that the Ala288 Gly variant may impact the protein, though this information is not predictive en ough to determine pathogenicity. In summary, this variant is likely to be pathog enic, though additional studies are required to establish this with certainty.

Literature cited by the submitters: PubMed 24503780 (cited by Labcorp Genetics (formerly Invitae), Labcorp); PubMed 27532257 (cited by Labcorp Genetics (formerly Invitae), Labcorp); PubMed 36548481 (cited by Labcorp Genetics (formerly Invitae), Labcorp); PubMed 37652022 (cited by Labcorp Genetics (formerly Invitae), Labcorp).